The following is an entry in ClinVar:

ClinVar aggregate classification (germline): Pathogenic. Review status: criteria provided, multiple submitters, no conflicts (2 of 4 stars). 2 submissions from 2 submitters: Pathogenic (2). Last evaluated 2020-09-01.

Conditions:
Severe myoclonic epilepsy in infancy (DRVT). Also called: DEVELOPMENTAL AND EPILEPTIC ENCEPHALOPATHY 6A; Severe Myoclonic Epilepsy in Infancy (SMEI); SEVERE MYOCLONIC EPILEPSY OF INFANCY; Dravet syndrome; Epileptic encephalopathy, early infantile, 6 (Dravet syndrome). Identifiers: Orphanet 33069, MedGen C0751122, MONDO:0100135, OMIM 607208.
Early-infantile DEE. Also called: Ohtahara syndrome; Early infantile epileptic encephalopathy; Early infantile epileptic encephalopathy with suppression bursts. Identifiers: Orphanet 1934, MedGen C0393706, MONDO:0800491.

Submissions (2):

Labcorp Genetics (formerly Invitae), Labcorp
Classification: Pathogenic for Early-infantile DEE. Last evaluated: 2020-09-01. Review status: criteria provided, single submitter. Criteria: Invitae Variant Classification Sherloc (09022015). Collection method: clinical testing. Allele origin: germline.
Comment: For these reasons, this variant has been classified as Pathogenic. Loss-of-function variants in SCN1A are known to be pathogenic (PMID: 17347258, 18930999). This nonsense change has been observed in an individual affected with Dravet syndrome (PMID: 28202706). ClinVar contains an entry for this variant (Variation ID: 836613). This variant is not present in population databases (ExAC no frequency). This sequence change creates a premature translational stop signal (p.Leu180*) in the SCN1A gene. It is expected to result in an absent or disrupted protein product.

Laboratory of Inherited Metabolic Diseases, Research centre for medical genetics
Classification: Pathogenic for Severe myoclonic epilepsy in infancy. Last evaluated: 2020-02-14. Review status: criteria provided, single submitter. Criteria: ACMG Guidelines, 2015. Collection method: clinical testing. Allele origin: de novo. Inheritance: Autosomal dominant inheritance. Affected: yes.

Literature cited by the submitters: PubMed 17347258 (cited by Labcorp Genetics (formerly Invitae), Labcorp); PubMed 18930999 (cited by Labcorp Genetics (formerly Invitae), Labcorp); PubMed 28202706 (cited by Labcorp Genetics (formerly Invitae), Labcorp).

NM_001165963.4(SCN1A):c.539T>A (p.Leu180Ter)

Gene: SCN1A (sodium voltage-gated channel alpha subunit 1; minus strand). Cytogenetic location: 2q24.3.
Variant type: single nucleotide variant.
Coding change: c.539T>A on transcript NM_001165963.4 (MANE Select); coding-DNA position 539, T replaced by A.
Protein change: p.Leu180Ter; replaces leucine 180 with a stop codon.
Molecular consequence: nonsense. On other transcripts: 5 prime UTR variant (1), non-coding transcript variant (1).
Genome position (GRCh38, 1-based): chr2:166,054,701, A>T on the plus strand (T>A on the coding strand, the complement: SCN1A is on the minus strand). VCF-style: chr2-166054701-A-T. GRCh37 (hg19) VCF-style: chr2-166911211-A-T.
Other names: c.539T>A, p.Leu180Ter (NM_001353958.2, NM_001353960.2, NM_006920.6 and 10 more transcripts); c.-1887T>A (NM_001353961.2); short protein forms L180*.
Identifiers: ClinVar variation 836613 (VCV000836613.12), dbSNP rs1574281711, ClinGen allele CA349075494.